The following is an entry in ClinVar:

NM_001024630.4(RUNX2):c.1555C>T (p.Arg519Ter)

Gene: RUNX2 (RUNX family transcription factor 2; plus strand). Cytogenetic location: 6p21.1.
Variant type: single nucleotide variant.
Coding change: c.1555C>T on transcript NM_001024630.4 (MANE Select); coding-DNA position 1555, C replaced by T.
Protein change: p.Arg519Ter; replaces arginine 519 with a stop codon.
Molecular consequence: nonsense.
Genome position (GRCh38, 1-based): chr6:45,547,294, C>T. VCF-style: chr6-45547294-C-T. GRCh37 (hg19) VCF-style: chr6-45515031-C-T.
Other names: c.1489C>T, p.Arg497Ter (NM_001015051.4); c.1447C>T, p.Arg483Ter (NM_001278478.2); c.1513C>T, p.Arg505Ter (NM_001369405.1, NM_004348.3); short protein forms R483*, R497*, R505*, R519*.
Identifiers: ClinVar variation 2507271 (VCV002507271.1), dbSNP rs2481025657, ClinGen allele CA363957483.

ClinVar aggregate classification (germline): Uncertain significance (1 of 4 stars; one submission).

Allele frequency attached by ClinVar (database versions not stated): gnomAD exomes below 0.00001.
gnomAD v4.1: 1 of 1,613,828 alleles (0.000062%); highest among the groups gnomAD compares: South Asian, 0.0011%; no homozygotes.

Submission:

GeneDx
Classification: Uncertain significance. Last evaluated: 2022-12-28. Review status: criteria provided, single submitter. Criteria: GeneDx Variant Classification Process June 2021. Collection method: clinical testing. Allele origin: germline. Affected: yes.
Comment: Not observed at significant frequency in large population cohorts (gnomAD); Nonsense variant predicted to result in protein truncation as the last 3 amino acids are lost, although loss-of-function variants have not been reported downstream of this position in the protein; Has not been previously published as pathogenic or benign to our knowledge